The following is an entry in ClinVar:

ClinVar aggregate classification (germline): Uncertain significance. Review status: criteria provided, multiple submitters, no conflicts (2 of 4 stars). 2 submissions from 2 submitters: Uncertain significance (2). Last evaluated 2024-04-10.

Conditions:
Neuroblastoma, susceptibility to, 3. Also called: ALK-Related Neuroblastic Tumor Susceptibility. Identifiers: Orphanet 635, MedGen C2751681, MONDO:0013083, OMIM 613014.
Hereditary cancer-predisposing syndrome. Also called: Hereditary neoplastic syndrome; Tumor predisposition; Neoplastic Syndromes, Hereditary; Hereditary Cancer Syndrome. Identifiers: Orphanet 140162, MedGen C0027672, MeSH D009386, MONDO:0015356.

gnomAD v4.1: 3 of 1,614,170 alleles (0.00019%); highest among the groups gnomAD compares: Admixed American, 0.0017%; no homozygotes.

Submissions (2):

Labcorp Genetics (formerly Invitae), Labcorp
Classification: Uncertain significance for Neuroblastoma, susceptibility to, 3. Last evaluated: 2024-04-10. Review status: criteria provided, single submitter. Criteria: Invitae Variant Classification Sherloc (09022015). Collection method: clinical testing. Allele origin: germline.
Comment: This sequence change replaces alanine, which is neutral and non-polar, with glycine, which is neutral and non-polar, at codon 454 of the ALK protein (p.Ala454Gly). This variant is present in population databases (rs766818130, gnomAD 0.003%). This variant has not been reported in the literature in individuals affected with ALK-related conditions. ClinVar contains an entry for this variant (Variation ID: 949454). An algorithm developed to predict the effect of missense changes on protein structure and function (PolyPhen-2) suggests that this variant is likely to be disruptive. In summary, the available evidence is currently insufficient to determine the role of this variant in disease. Therefore, it has been classified as a Variant of Uncertain Significance.

Ambry Genetics
Classification: Uncertain significance for Hereditary cancer-predisposing syndrome. Last evaluated: 2024-03-28. Review status: criteria provided, single submitter. Criteria: Ambry Variant Classification Scheme 2023. Collection method: clinical testing. Allele origin: germline.
Comment: The p.A454G variant (also known as c.1361C>G), located in coding exon 6 of the ALK gene, results from a C to G substitution at nucleotide position 1361. The alanine at codon 454 is replaced by glycine, an amino acid with similar properties. This amino acid position is conserved. In addition, the in silico prediction for this alteration is inconclusive. Based on the available evidence, the clinical significance of this alteration remains unclear.

NM_004304.5(ALK):c.1361C>G (p.Ala454Gly)

Gene: ALK (ALK receptor tyrosine kinase; minus strand). Cytogenetic location: 2p23.2.
Variant type: single nucleotide variant.
Coding change: c.1361C>G on transcript NM_004304.5 (MANE Select); coding-DNA position 1361, C replaced by G.
Protein change: p.Ala454Gly; replaces alanine 454 with glycine.
Molecular consequence: missense variant.
Genome position (GRCh38, 1-based): chr2:29,328,403, G>C on the plus strand (C>G on the coding strand, the complement: ALK is on the minus strand). VCF-style: chr2-29328403-G-C. GRCh37 (hg19) VCF-style: chr2-29551269-G-C.
Other names: short protein forms A454G.
Identifiers: ClinVar variation 949454 (VCV000949454.10), dbSNP rs766818130, ClinGen allele CA1594677.